The following is an entry in ClinVar:

NM_198407.2(GHSR):c.*1024G>C

Gene: GHSR (growth hormone secretagogue receptor; minus strand). Cytogenetic location: 3q26.31.
Variant type: single nucleotide variant.
Coding change: c.*1024G>C on transcript NM_198407.2 (MANE Select); 1024 bases downstream of the stop codon, G replaced by C.
Molecular consequence: 3 prime UTR variant.
Genome position (GRCh38, 1-based): chr3:172,444,137, C>G on the plus strand (G>C on the coding strand, the complement: GHSR is on the minus strand). VCF-style: chr3-172444137-C-G. GRCh37 (hg19) VCF-style: chr3-172161927-C-G.
Identifiers: ClinVar variation 344184 (VCV000344184.5), dbSNP rs9880206, ClinGen allele CA10615832.

ClinVar aggregate classification (germline): Benign (1 of 4 stars; one submission).

Conditions:
Short stature due to growth hormone secretagogue receptor deficiency (GHDP). Also called: Short stature due to GHSR deficiency. Identifiers: Orphanet 314811, MedGen C5887324, MONDO:0014403, OMIM 615925.

Allele frequency attached by ClinVar (database versions not stated): 1000 Genomes Project 0.03654; 1000 Genomes Project 30x 0.03810; gnomAD 0.04181 and 0.04275; TOPMed 0.04433.
gnomAD v4.1: 6,327 of 152,206 alleles (4.2%); highest among the groups gnomAD compares: African/African-American, 8.6%; 225 homozygotes.

Submission:

Illumina Laboratory Services, Illumina
Classification: Benign for Short stature due to growth hormone secretagogue receptor deficiency. Last evaluated: 2018-01-12. Review status: criteria provided, single submitter. Criteria: ICSL Variant Classification Criteria 13 December 2019. Collection method: clinical testing. Allele origin: germline.
Comment: This variant was observed in the ICSL laboratory as part of a predisposition screen in an ostensibly healthy population. It had not been previously curated by ICSL or reported in the Human Gene Mutation Database (HGMD: prior to June 1st, 2018), and was therefore a candidate for classification through an automated scoring system. Utilizing variant allele frequency, disease prevalence and penetrance estimates, and inheritance mode, an automated score was calculated to assess if this variant is too frequent to cause the disease. Based on the score and internal cut-off values, a variant classified as benign is not then subjected to further curation. The score for this variant resulted in a classification of benign for this disease.